The following is an entry in ClinVar:

NM_032608.7(MYO18B):c.602G>T (p.Gly201Val)

Gene: MYO18B (myosin XVIIIB; plus strand). Cytogenetic location: 22q12.1.
Variant type: single nucleotide variant.
Coding change: c.602G>T on transcript NM_032608.7 (MANE Select); coding-DNA position 602, G replaced by T.
Protein change: p.Gly201Val; replaces glycine 201 with valine.
Molecular consequence: missense variant.
Genome position (GRCh38, 1-based): chr22:25,768,518, G>T. VCF-style: chr22-25768518-G-T. GRCh37 (hg19) VCF-style: chr22-26164485-G-T.
Other names: c.602G>T, p.Gly201Val (NM_001318245.2); short protein forms G201V.
Identifiers: ClinVar variation 4989427 (VCV004989427.1).

ClinVar aggregate classification (germline): Uncertain significance (1 of 4 stars; one submission).

Conditions:
MYO18B-related disorder. Also called: MYO18B-related condition.

gnomAD v4.1: 6 of 1,579,354 alleles (0.00038%); highest among the groups gnomAD compares: Admixed American, 0.0091%; no homozygotes.

Submission:

PreventionGenetics, part of Exact Sciences
Classification: Uncertain significance for MYO18B-related condition. Last evaluated: 2026-03-05. Review status: criteria provided, single submitter. Criteria: ACMG Guidelines, 2015. Collection method: clinical testing. Allele origin: germline.
Comment: The MYO18B c.602G>T variant is predicted to result in the amino acid substitution p.Gly201Val. To our knowledge, this variant has not been reported in the literature. This variant is reported in 0.0068% of alleles in individuals of Latino descent in gnomAD. At this time, the clinical significance of this variant is uncertain due to the absence of conclusive functional and genetic evidence.